The following is an entry in ClinVar:

ClinVar aggregate classification (germline): Uncertain significance. Review status: criteria provided, multiple submitters, no conflicts (2 of 4 stars). 4 submissions from 4 submitters: Uncertain significance (4). Last evaluated 2026-01-23.

Conditions:
HNF1B-related disorder. Also called: HNF1B-related condition; HNF1B-related disorders.
Renal cysts and diabetes syndrome (RCAD). Also called: Familial hypoplastic, glomerulocystic kidney; MATURITY-ONSET DIABETES OF THE YOUNG, TYPE 5. Identifiers: Orphanet 93111, MedGen C0431693, MONDO:0007669, OMIM 137920.
Type 2 diabetes mellitus. Also called: Type II diabetes mellitus. Identifiers: MedGen C0011860, MeSH D003924, MONDO:0005148, OMIM 125853, HP:0005978.
Nonpapillary renal cell carcinoma. Identifiers: Orphanet 422526, MedGen CN074294, MONDO:0007763, OMIM 144700.

gnomAD v4.1: 1 of 1,614,126 alleles (0.000062%); highest among the groups gnomAD compares: Admixed American, 0.0017%; no homozygotes.

Submissions (4):

PreventionGenetics, part of Exact Sciences
Classification: Uncertain significance for HNF1B-related condition. Last evaluated: 2026-01-23. Review status: criteria provided, single submitter. Criteria: ACMG Guidelines, 2015. Collection method: clinical testing. Allele origin: germline.
Comment: The HNF1B c.601C>G variant is predicted to result in the amino acid substitution p.Gln201Glu. To our knowledge, this variant has not been reported in the literature. This variant is reported in 0.0029% of alleles in individuals of Latino descent in gnomAD. At this time, the clinical significance of this variant is uncertain due to the absence of conclusive functional and genetic evidence.

Labcorp Genetics (formerly Invitae), Labcorp
Classification: Uncertain significance. Last evaluated: 2025-10-23. Review status: criteria provided, single submitter. Criteria: Invitae Variant Classification Sherloc (09022015). Collection method: clinical testing. Allele origin: germline.
Comment: This sequence change replaces glutamine, which is neutral and polar, with glutamic acid, which is acidic and polar, at codon 201 of the HNF1B protein (p.Gln201Glu). This variant is present in population databases (no rsID available, gnomAD 0.003%). This variant has not been reported in the literature in individuals affected with HNF1B-related conditions. ClinVar contains an entry for this variant (Variation ID: 3581906). Invitae Evidence Modeling of protein sequence and biophysical properties (such as structural, functional, and spatial information, amino acid conservation, physicochemical variation, residue mobility, and thermodynamic stability) indicates that this missense variant is expected to disrupt HNF1B protein function with a positive predictive value of 95%. In summary, the available evidence is currently insufficient to determine the role of this variant in disease. Therefore, it has been classified as a Variant of Uncertain Significance.

GeneDx
Classification: Uncertain significance. Last evaluated: 2024-08-01. Review status: criteria provided, single submitter. Criteria: GeneDx Variant Classification Process June 2021. Collection method: clinical testing. Allele origin: germline. Affected: yes.
Comment: In silico analysis indicates that this missense variant does not alter protein structure/function; Has not been previously published as pathogenic or benign to our knowledge

Fulgent Genetics
Classification: Uncertain significance for Type 2 diabetes mellitus; Renal cysts and diabetes syndrome; Nonpapillary renal cell carcinoma. Last evaluated: 2024-01-24. Review status: criteria provided, single submitter. Criteria: ACMG Guidelines, 2015. Collection method: clinical testing. Allele origin: germline.

NM_000458.4(HNF1B):c.601C>G (p.Gln201Glu)

Genes: HNF1B (HNF1 homeobox B; minus strand), LOC126862549 (BRD4-independent group 4 enhancer GRCh37_chr17:36093401-36094600; plus strand). Cytogenetic location: 17q12.
Variant type: single nucleotide variant.
Coding change: c.601C>G on transcript NM_000458.4 (MANE Select); coding-DNA position 601, C replaced by G.
Protein change: p.Gln201Glu; replaces glutamine 201 with glutamic acid.
Molecular consequence: missense variant. On other transcripts: intron variant (2).
Genome position (GRCh38, 1-based): chr17:37,733,765, G>C on the plus strand (C>G on the coding strand, the complement: HNF1B is on the minus strand). VCF-style: chr17-37733765-G-C. GRCh37 (hg19) VCF-style: chr17-36093758-G-C.
Other names: c.601C>G (NM_000458.2, NM_000458.3); c.601C>G, p.Gln201Glu (NM_001411100.1); c.545-22C>G (NM_001304286.2, NM_001165923.4); short protein forms Q201E.
Identifiers: ClinVar variation 3581906 (VCV003581906.4).
Genomic context (GRCh38, chr17:37,733,765, plus strand): 5'-CATCGGACTGCCCAGGCCCATGGCTCTGTTGACTGAACTCTGGAAAGAGAAACAGCAGCT[G>C]ATCCTGACTGCTTTTGTCTGTCATATTTCCAGAACTCTGGACTGTCTGGTTGAATTCTGA-3'
Protein context (NP_000449.1, residues 191-211): GNMTDKSSQD[Gln201Glu]LLFLFPEFSQ